The following is an entry in ClinVar:

NM_000256.3(MYBPC3):c.1090+453C>T

Gene: MYBPC3 (myosin binding protein C3; minus strand). Cytogenetic location: 11p11.2.
Variant type: single nucleotide variant.
Coding change: c.1090+453C>T on transcript NM_000256.3 (MANE Select); 453 bases into the intron after coding-DNA position 1090, C replaced by T.
Molecular consequence: intron variant.
Genome position (GRCh38, 1-based): chr11:47,345,754, G>A on the plus strand (C>T on the coding strand, the complement: MYBPC3 is on the minus strand). VCF-style: chr11-47345754-G-A. GRCh37 (hg19) VCF-style: chr11-47367305-G-A.
Identifiers: ClinVar variation 870077 (VCV000870077.3), dbSNP rs2095893477, ClinGen allele CA916081637.

ClinVar aggregate classification (germline): Likely pathogenic. Review status: criteria provided, multiple submitters, no conflicts (2 of 4 stars). 2 submissions from 2 submitters: Likely pathogenic (2). Last evaluated 2024-06-21.

Conditions:
Hypertrophic cardiomyopathy. Also called: HYPERTROPHIC MYOCARDIOPATHY. Identifiers: Orphanet 217569, MedGen C0007194, MeSH D002312, MONDO:0005045, HP:0001639.
Hypertrophic cardiomyopathy 4. Also called: Familial hypertrophic cardiomyopathy 4. Identifiers: MedGen C1861862, MONDO:0007268, OMIM 115197.

Submissions (2):

Labcorp Genetics (formerly Invitae), Labcorp
Classification: Likely pathogenic for Hypertrophic cardiomyopathy. Last evaluated: 2024-06-21. Review status: criteria provided, single submitter. Criteria: Invitae Variant Classification Sherloc (09022015). Collection method: clinical testing. Allele origin: germline.
Comment: This sequence change falls in intron 12 of the MYBPC3 gene. It does not directly change the encoded amino acid sequence of the MYBPC3 protein. RNA analysis indicates that this variant induces altered splicing and may result in an absent or disrupted protein product. This variant is not present in population databases (gnomAD no frequency). This variant has been observed in individual(s) with hypertrophic cardiomyopathy (PMID: 30025578, 33657327). It has also been observed to segregate with disease in related individuals. ClinVar contains an entry for this variant (Variation ID: 870077). Studies have shown that this variant results in activation of a cryptic splice site and introduces a premature termination codon (PMID: 30025578). The resulting mRNA is expected to undergo nonsense-mediated decay. In summary, the currently available evidence indicates that the variant is pathogenic, but additional data are needed to prove that conclusively. Therefore, this variant has been classified as Likely Pathogenic.

Agnes Ginges Centre for Molecular Cardiology, Centenary Institute
Classification: Likely pathogenic for Hypertrophic cardiomyopathy 4. Last evaluated: 2018-09-14. Review status: criteria provided, single submitter. Criteria: ACMG Guidelines, 2015. Collection method: research. Allele origin: germline. Inheritance: Autosomal dominant inheritance. Affected: yes.
Comment: MYBPC3 c.1090+453C>T has not been previously reported and is absent in Genome Aggregation Database, as well as Bravo. Splice prediction tools SpliceSiteFinder, MAxEntScan, NNSplice all predict the variant disrupts splicing. RNA studies showed that this variant results in the creation of a splice donor site which, together with an existing splice acceptor site 77 base pairs upstream creates a novel 77 base pair exon, this would cause a shift in the reading frame downstream and consequently a premature stop codon (Bagnall RD et al., 2018). Based on the adapted ACMG guidelines (Kelly MA, et al., 2018), RNA studies show this variant disrupts splicing (PS3), the variant is also rare in the general population (PM2) and is predicted to disrupt splicing by multiple splice prediction tools (PP3), therefore we classify MYBPC3 c.1090+453C>T as 'Likely Pathogenic'.

Literature cited by the submitters: PubMed 30025578 (cited by Labcorp Genetics (formerly Invitae), Labcorp); PubMed 33657327 (cited by Labcorp Genetics (formerly Invitae), Labcorp).